The following is an entry in ClinVar:

ClinVar aggregate classification (germline): Uncertain significance (1 of 4 stars; one submission).

Conditions:
Rubinstein-Taybi syndrome (RSTS). Identifiers: Orphanet 783, MedGen C0035934, MONDO:0019188.

gnomAD v4.1: 1 of 1,614,222 alleles (0.000062%); no homozygotes.

Submission:

Labcorp Genetics (formerly Invitae), Labcorp
Classification: Uncertain significance for Rubinstein-Taybi syndrome. Last evaluated: 2025-05-05. Review status: criteria provided, single submitter. Criteria: Invitae Variant Classification Sherloc (09022015). Collection method: clinical testing. Allele origin: germline.
Comment: This sequence change replaces glutamine, which is neutral and polar, with lysine, which is basic and polar, at codon 260 of the CREBBP protein (p.Gln260Lys). This variant is not present in population databases (gnomAD no frequency). This variant has not been reported in the literature in individuals affected with CREBBP-related conditions. ClinVar contains an entry for this variant (Variation ID: 2877567). Invitae Evidence Modeling of protein sequence and biophysical properties (such as structural, functional, and spatial information, amino acid conservation, physicochemical variation, residue mobility, and thermodynamic stability) has been performed for this missense variant. However, the output from this modeling did not meet the statistical confidence thresholds required to predict the impact of this variant on CREBBP protein function. In summary, the available evidence is currently insufficient to determine the role of this variant in disease. Therefore, it has been classified as a Variant of Uncertain Significance.

NM_004380.3(CREBBP):c.778C>A (p.Gln260Lys)

Gene: CREBBP (CREB binding lysine acetyltransferase; minus strand). Cytogenetic location: 16p13.3.
Variant type: single nucleotide variant.
Coding change: c.778C>A on transcript NM_004380.3 (MANE Select); coding-DNA position 778, C replaced by A.
Protein change: p.Gln260Lys; replaces glutamine 260 with lysine.
Molecular consequence: missense variant.
Genome position (GRCh38, 1-based): chr16:3,850,317, G>T on the plus strand (C>A on the coding strand, the complement: CREBBP is on the minus strand). VCF-style: chr16-3850317-G-T. GRCh37 (hg19) VCF-style: chr16-3900318-G-T.
Other names: c.778C>A, p.Gln260Lys (NM_001079846.1); short protein forms Q260K.
Identifiers: ClinVar variation 2877567 (VCV002877567.3), dbSNP rs1312108913, ClinGen allele CA394559197.
Genomic context (GRCh38, chr16:3,850,317, plus strand): 5'-GGTTAGGTAGGAAGTATTGAAAGTGCTTCAGTTCACTTACCTTGGCCATGCCTCCTGCCT[G>T]TGCGGTGTTCAGTCCCGCGTGACCAGTCATTTGCGGGGAAACCTGCGTTAGGGTCTCAGC-3'
Protein context (NP_004371.2, residues 250-270): MTGHAGLNTA[Gln260Lys]AGGMAKMGIT